The following is an entry in ClinVar:

ClinVar aggregate classification (germline): Pathogenic (1 of 4 stars; one submission).

Conditions:
Intellectual disability, autosomal recessive 53 (NEDHSCA). Also called: GLYCOSYLPHOSPHATIDYLINOSITOL BIOSYNTHESIS DEFECT 13; Mental retardation, autosomal recessive 53; NEURODEVELOPMENTAL DISORDER WITH OR WITHOUT HYPOTONIA, SEIZURES, AND CEREBELLAR ATROPHY. Identifiers: Orphanet 488635, MedGen C4310794, MONDO:0014832, OMIM 616917.

Submission:

Labcorp Genetics (formerly Invitae), Labcorp
Classification: Pathogenic for Intellectual disability, autosomal recessive 53. Last evaluated: 2024-05-29. Review status: criteria provided, single submitter. Criteria: Invitae Variant Classification Sherloc (09022015). Collection method: clinical testing. Allele origin: germline.
Comment: This sequence change creates a premature translational stop signal (p.Thr535Asnfs*68) in the PIGG gene. It is expected to result in an absent or disrupted protein product. Loss-of-function variants in PIGG are known to be pathogenic (PMID: 26996948, 28581210, 28771251). This variant is not present in population databases (gnomAD no frequency). This variant has not been reported in the literature in individuals affected with PIGG-related conditions. For these reasons, this variant has been classified as Pathogenic.

Literature cited by the submitters: PubMed 26996948; PubMed 28581210; PubMed 28771251.

NM_001127178.3(PIGG):c.1603dup (p.Thr535fs)

Gene: PIGG (phosphatidylinositol glycan anchor biosynthesis class G (EMM blood group); plus strand). Cytogenetic location: 4p16.3.
Variant type: Duplication.
Coding change: c.1603dup on transcript NM_001127178.3 (MANE Select); coding-DNA position 1603, one base duplicated (A; older notation c.1603dupA).
Protein change: p.Thr535fs; shifts the reading frame from threonine 535.
Molecular consequence: frameshift variant. On other transcripts: 3 prime UTR variant (2), non-coding transcript variant (10).
Genome position (GRCh38, 1-based): chr4:521,930, A duplicated. VCF-style (leftmost placement, unchanged base first): chr4-521929-C-CA. GRCh37 (hg19) VCF-style: chr4-515718-C-CA.
Other names: c.1336dup, p.Thr446fs (NM_001289051.2, NM_001289053.2, NM_001345986.2); c.1204dup, p.Thr402fs (NM_001289052.2); c.*165dup (NM_001289055.2); c.*218dup (NM_001289057.2); c.1312dup, p.Thr438fs (NM_001345987.2); c.574dup, p.Thr192fs (NM_001345988.2); c.1603dup, p.Thr535fs (NM_001345989.2); c.70dup, p.Thr24fs (NM_001345990.2, NM_001345991.2); and 2 more; short protein forms T527fs, T535fs, T169fs, T192fs, T24fs, T402fs, T438fs, T446fs.
Identifiers: ClinVar variation 3654991 (VCV003654991.2).